The following is an entry in ClinVar:

ClinVar aggregate classification (germline): Conflicting classifications of pathogenicity. Review status: criteria provided, conflicting classifications (1 of 4 stars). 4 submissions from 4 submitters: Pathogenic (2); Likely pathogenic (1); Uncertain significance (1). Last evaluated 2025-12-15.

Conditions:
Usher syndrome type 2A. Also called: RETINAL DISEASE IN USHER SYNDROME TYPE IIA, MODIFIER OF; USHER SYNDROME, TYPE IIA. Identifiers: Orphanet 231178, Orphanet 886, MedGen C1848634, MONDO:0010169, OMIM 276901.
USH2A-related disorder. Also called: USH2A-related condition; USH2A-related disorders. Identifiers: MedGen CN239332.

gnomAD v4.1: 1 of 1,614,104 alleles (0.000062%); highest among the groups gnomAD compares: Non-Finnish European, 0.000085%; no homozygotes.

Submissions (4):

Labcorp Genetics (formerly Invitae), Labcorp
Classification: Pathogenic. Last evaluated: 2025-12-15. Review status: criteria provided, single submitter. Criteria: Invitae Variant Classification Sherloc (09022015). Collection method: clinical testing. Allele origin: germline.
Comment: This sequence change replaces threonine, which is neutral and polar, with arginine, which is basic and polar, at codon 1238 of the USH2A protein (p.Thr1238Arg). This variant is present in population databases (no rsID available, gnomAD 0.002%). This missense change has been observed in individual(s) with clinical features of USH2A-related conditions (PMID: 21151602, 28894305; internal data). In at least one individual the data is consistent with being in trans (on the opposite chromosome) from a pathogenic variant. ClinVar contains an entry for this variant (Variation ID: 1479378). Invitae Evidence Modeling of protein sequence and biophysical properties (such as structural, functional, and spatial information, amino acid conservation, physicochemical variation, residue mobility, and thermodynamic stability) indicates that this missense variant is expected to disrupt USH2A protein function with a positive predictive value of 80%. For these reasons, this variant has been classified as Pathogenic.

Natera, Inc.
Classification: Likely pathogenic for Usher syndrome type 2A. Last evaluated: 2024-08-04. Review status: criteria provided, single submitter. Criteria: Natera Variant Classification Schema (03/2026). Collection method: clinical testing. Allele origin: germline.
Comment: The c.3713C>G variant in USH2A is a missense variant predicted to cause substitution of threonine to arginine at amino acid 1238. This variant is rare in the general population with a frequency below the threshold expected for the associated phenotype(s). This variant has been observed in one or more individuals affected with the associated recessive disease, as either homozygous or compound heterozygous with a second variant (PMID: 32098976). Computational prediction algorithms indicate this variant is likely to affect gene or protein function. Given the available evidence, this variant is classified as Likely Pathogenic.

CeGaT Center for Human Genetics Tuebingen
Classification: Uncertain significance. Last evaluated: 2024-02-01. Review status: criteria provided, single submitter. Criteria: CeGaT Center For Human Genetics Tuebingen Variant Classification Criteria Version 2. Collection method: clinical testing. Allele origin: germline. Affected: yes. Observed: 1 variant allele.
Comment: USH2A: PM2, PM3, BP4

Blueprint Genetics
Classification: Pathogenic for USH2A-related disorders. Last evaluated: 2020-12-01. Review status: criteria provided, single submitter. Criteria: ACMG Guidelines, 2015. Collection method: clinical testing. Allele origin: germline. Affected: yes. Observed: 5 variant alleles.

Literature cited by the submitters: PubMed 21151602 (cited by Labcorp Genetics (formerly Invitae), Labcorp); PubMed 28894305 (cited by Labcorp Genetics (formerly Invitae), Labcorp); PubMed 32098976 (cited by Natera, Inc.).

NM_206933.4(USH2A):c.3713C>G (p.Thr1238Arg)

Genes: USH2A (usherin; minus strand), USH2A-AS1 (USH2A antisense RNA 1; plus strand). Cytogenetic location: 1q41.
Variant type: single nucleotide variant.
Coding change: c.3713C>G on transcript NM_206933.4 (MANE Select); coding-DNA position 3713, C replaced by G.
Protein change: p.Thr1238Arg; replaces threonine 1238 with arginine.
Molecular consequence: missense variant.
Genome position (GRCh38, 1-based): chr1:216,199,725, G>C on the plus strand (C>G on the coding strand, the complement: USH2A is on the minus strand). VCF-style: chr1-216199725-G-C. GRCh37 (hg19) VCF-style: chr1-216373067-G-C.
Other names: c.3713C>G, p.Thr1238Arg (NM_007123.6); c.3713C>G (NM_206933.2); short protein forms T1238R.
Identifiers: ClinVar variation 1479378 (VCV001479378.32), dbSNP rs768461447, ClinGen allele CA344867842.